The following is an entry in ClinVar:

ClinVar aggregate classification (germline): Uncertain significance. Review status: criteria provided, multiple submitters, no conflicts (2 of 4 stars). 2 submissions from 2 submitters: Uncertain significance (2). Last evaluated 2026-06-03.

Conditions:
Luscan-Lumish syndrome. Identifiers: Orphanet 597738, MedGen C4085873, MONDO:0014791, OMIM 616831.
Inborn genetic diseases. Identifiers: MedGen C0950123, MeSH D030342.

gnomAD v4.1: 1 of 1,613,504 alleles (0.000062%); highest among the groups gnomAD compares: Non-Finnish European, 0.000085%; no homozygotes.

Submissions (2):

Ambry Genetics
Classification: Uncertain significance for Inborn genetic diseases. Last evaluated: 2026-06-03. Review status: criteria provided, single submitter. Criteria: Ambry Variant Classification Scheme 2023. Collection method: clinical testing. Allele origin: germline.
Comment: The c.7328C>T (p.T2443I) alteration is located in exon 18 (coding exon 18) of the SETD2 gene. This alteration results from a C to T substitution at nucleotide position 7328, causing the threonine (T) at amino acid position 2443 to be replaced by an isoleucine (I). Based on data from gnomAD, the T allele has an overall frequency of 0.003% (1/31392) total alleles studied. The highest observed frequency was 0.007% (1/15422) of European (non-Finnish) alleles. Based on insufficient or conflicting evidence, the clinical significance of this alteration remains unclear.

Labcorp Genetics (formerly Invitae), Labcorp
Classification: Uncertain significance for Luscan-Lumish syndrome. Last evaluated: 2025-06-03. Review status: criteria provided, single submitter. Criteria: Invitae Variant Classification Sherloc (09022015). Collection method: clinical testing. Allele origin: germline.
Comment: This sequence change replaces threonine, which is neutral and polar, with isoleucine, which is neutral and non-polar, at codon 2443 of the SETD2 protein (p.Thr2443Ile). This variant is present in population databases (no rsID available, gnomAD 0.007%). This variant has not been reported in the literature in individuals affected with SETD2-related conditions. An algorithm developed to predict the effect of missense changes on protein structure and function (PolyPhen-2) suggests that this variant is likely to be disruptive. In summary, the available evidence is currently insufficient to determine the role of this variant in disease. Therefore, it has been classified as a Variant of Uncertain Significance.

NM_014159.7(SETD2):c.7328C>T (p.Thr2443Ile)

Gene: SETD2 (SET domain containing 2, histone lysine methyltransferase; minus strand). Cytogenetic location: 3p21.31.
Variant type: single nucleotide variant.
Coding change: c.7328C>T on transcript NM_014159.7 (MANE Select); coding-DNA position 7328, C replaced by T.
Protein change: p.Thr2443Ile; replaces threonine 2443 with isoleucine.
Molecular consequence: missense variant. On other transcripts: non-coding transcript variant (1).
Genome position (GRCh38, 1-based): chr3:47,037,688, G>A on the plus strand (C>T on the coding strand, the complement: SETD2 is on the minus strand). VCF-style: chr3-47037688-G-A. GRCh37 (hg19) VCF-style: chr3-47079178-G-A.
Other names: c.7196C>T, p.Thr2399Ile (NM_001349370.3); short protein forms T2443I, T2399I.
Identifiers: ClinVar variation 4769746 (VCV004769746.2).